The following is an entry in ClinVar:

NM_032581.4(HYCC1):c.395A>G (p.Lys132Arg)

Gene: HYCC1 (hyccin PI4KA lipid kinase complex subunit 1; minus strand). Cytogenetic location: 7p15.3.
Variant type: single nucleotide variant.
Coding change: c.395A>G on transcript NM_032581.4 (MANE Select); coding-DNA position 395, A replaced by G.
Protein change: p.Lys132Arg; replaces lysine 132 with arginine.
Molecular consequence: missense variant.
Genome position (GRCh38, 1-based): chr7:22,977,360, T>C on the plus strand (A>G on the coding strand, the complement: HYCC1 is on the minus strand). VCF-style: chr7-22977360-T-C. GRCh37 (hg19) VCF-style: chr7-23016979-T-C.
Other names: c.395A>G, p.Lys132Arg (NM_001363466.2, NM_001363467.2); short protein forms K132R.
Identifiers: ClinVar variation 1695185 (VCV001695185.31), dbSNP rs1784763758, ClinGen allele CA366976150.

ClinVar aggregate classification (germline): Uncertain significance (1 of 4 stars; one submission).

Submission:

CeGaT Center for Human Genetics Tuebingen
Classification: Uncertain significance. Last evaluated: 2022-04-01. Review status: criteria provided, single submitter. Criteria: CeGaT Center For Human Genetics Tuebingen Variant Classification Criteria Version 2. Collection method: clinical testing. Allele origin: germline. Affected: yes. Observed: 1 variant allele.
Comment: HYCC1: PM2